The following is an entry in ClinVar:

NM_003737.4(DCHS1):c.4924G>C (p.Val1642Leu)

Gene: DCHS1 (dachsous cadherin-related 1; minus strand). Cytogenetic location: 11p15.4.
Variant type: single nucleotide variant.
Coding change: c.4924G>C on transcript NM_003737.4 (MANE Select); coding-DNA position 4924, G replaced by C.
Protein change: p.Val1642Leu; replaces valine 1642 with leucine.
Molecular consequence: missense variant.
Genome position (GRCh38, 1-based): chr11:6,629,783, C>G on the plus strand (G>C on the coding strand, the complement: DCHS1 is on the minus strand). VCF-style: chr11-6629783-C-G. GRCh37 (hg19) VCF-style: chr11-6651014-C-G.
Other names: c.4924G>C (NM_003737.2); short protein forms V1642L.
Identifiers: ClinVar variation 2101423 (VCV002101423.6), dbSNP rs2493822797, ClinGen allele CA379398471.

ClinVar aggregate classification (germline): Uncertain significance. Review status: criteria provided, multiple submitters, no conflicts (2 of 4 stars). 2 submissions from 2 submitters: Uncertain significance (2). Last evaluated 2023-01-06.

Conditions:
Inborn genetic diseases. Identifiers: MedGen C0950123, MeSH D030342.

Submissions (2):

Ambry Genetics
Classification: Uncertain significance for Inborn genetic diseases. Last evaluated: 2023-01-06. Review status: criteria provided, single submitter. Criteria: Ambry Variant Classification Scheme 2023. Collection method: clinical testing. Allele origin: germline.

Labcorp Genetics (formerly Invitae), Labcorp
Classification: Uncertain significance. Last evaluated: 2022-04-09. Review status: criteria provided, single submitter. Criteria: Invitae Variant Classification Sherloc (09022015). Collection method: clinical testing. Allele origin: germline.
Comment: This sequence change replaces valine, which is neutral and non-polar, with leucine, which is neutral and non-polar, at codon 1642 of the DCHS1 protein (p.Val1642Leu). This variant is not present in population databases (gnomAD no frequency). This variant has not been reported in the literature in individuals affected with DCHS1-related conditions. Advanced modeling of protein sequence and biophysical properties (such as structural, functional, and spatial information, amino acid conservation, physicochemical variation, residue mobility, and thermodynamic stability) performed at Invitae indicates that this missense variant is not expected to disrupt DCHS1 protein function. In summary, the available evidence is currently insufficient to determine the role of this variant in disease. Therefore, it has been classified as a Variant of Uncertain Significance.